The following is an entry in ClinVar:

NM_031407.7(HUWE1):c.11764C>T (p.Pro3922Ser)

Gene: HUWE1 (HECT, UBA and WWE domain containing E3 ubiquitin protein ligase 1; minus strand). Cytogenetic location: Xp11.22.
Variant type: single nucleotide variant.
Coding change: c.11764C>T on transcript NM_031407.7 (MANE Select); coding-DNA position 11764, C replaced by T.
Protein change: p.Pro3922Ser; replaces proline 3922 with serine.
Molecular consequence: missense variant.
Genome position (GRCh38, 1-based): chrX:53,538,949, G>A on the plus strand (C>T on the coding strand, the complement: HUWE1 is on the minus strand). VCF-style: chrX-53538949-G-A. GRCh37 (hg19) VCF-style: chrX-53565910-G-A.
Other names: short protein forms P3922S.
Identifiers: ClinVar variation 2580042 (VCV002580042.1), dbSNP rs2522384135, ClinGen allele CA413158334.

ClinVar aggregate classification (germline): Uncertain significance (1 of 4 stars; one submission).

Submission:

GeneDx
Classification: Uncertain significance. Last evaluated: 2023-03-14. Review status: criteria provided, single submitter. Criteria: GeneDx Variant Classification Process June 2021. Collection method: clinical testing. Allele origin: germline. Affected: yes.
Comment: Not observed at significant frequency in large population cohorts (gnomAD); In silico analysis supports that this missense variant has a deleterious effect on protein structure/function; Has not been previously published as pathogenic or benign to our knowledge